The following is an entry in ClinVar:

NM_001080449.3(DNA2):c.2657T>C (p.Phe886Ser)

Gene: DNA2 (DNA replication helicase/nuclease 2; minus strand). Cytogenetic location: 10q21.3.
Variant type: single nucleotide variant.
Coding change: c.2657T>C on transcript NM_001080449.3 (MANE Select); coding-DNA position 2657, T replaced by C.
Protein change: p.Phe886Ser; replaces phenylalanine 886 with serine.
Molecular consequence: missense variant. On other transcripts: non-coding transcript variant (1).
Genome position (GRCh38, 1-based): chr10:68,422,265, A>G on the plus strand (T>C on the coding strand, the complement: DNA2 is on the minus strand). VCF-style: chr10-68422265-A-G. GRCh37 (hg19) VCF-style: chr10-70182022-A-G.
Other names: short protein forms F886S.
Identifiers: ClinVar variation 2814708 (VCV002814708.3), dbSNP rs2493902332, ClinGen allele CA376844972.

ClinVar aggregate classification (germline): Uncertain significance (1 of 4 stars; one submission).

Submission:

Labcorp Genetics (formerly Invitae), Labcorp
Classification: Uncertain significance. Last evaluated: 2024-10-26. Review status: criteria provided, single submitter. Criteria: Invitae Variant Classification Sherloc (09022015). Collection method: clinical testing. Allele origin: germline.
Comment: This sequence change replaces phenylalanine, which is neutral and non-polar, with serine, which is neutral and polar, at codon 886 of the DNA2 protein (p.Phe886Ser). This variant is not present in population databases (gnomAD no frequency). This variant has not been reported in the literature in individuals affected with DNA2-related conditions. Invitae Evidence Modeling of protein sequence and biophysical properties (such as structural, functional, and spatial information, amino acid conservation, physicochemical variation, residue mobility, and thermodynamic stability) indicates that this missense variant is not expected to disrupt DNA2 protein function with a negative predictive value of 80%. In summary, the available evidence is currently insufficient to determine the role of this variant in disease. Therefore, it has been classified as a Variant of Uncertain Significance.